The following is an entry in ClinVar:

ClinVar aggregate classification (germline): Uncertain significance (1 of 4 stars; one submission).

Conditions:
X-linked hydrocephalus syndrome (HYCX). Also called: AQUEDUCTAL STENOSIS, X-LINKED; X-Linked Hydrocephalus with Stenosis of the Aqueduct of Sylvius; X-Linked Hydrocephalus with Stenosis of the Aqueduct of Sylvius (HSAS); HYDROCEPHALUS, CONGENITAL, X-LINKED; X-linked hydrocephalus. Identifiers: Orphanet 2182, MedGen C0265216, MONDO:0010611, OMIM 307000.

Submission:

Neuberg Centre For Genomic Medicine, NCGM
Classification: Uncertain significance for X-linked hydrocephalus syndrome. Last evaluated: 2023-05-20. Review status: criteria provided, single submitter. Criteria: ACMG Guidelines, 2015. Collection method: clinical testing. Allele origin: germline. Inheritance: X-linked recessive inheritance. Affected: yes.
Comment: The observed missense c.2965T>A(p.Tyr989Asn) variant in L1CAM gene has not been reported previously as a pathogenic variant nor as a benign variant, to our knowledge. This variant is absent in gnomAD Exomes. The amino acid Tyr at position 989 is changed to a Asn changing protein sequence and it might alter its composition and physico-chemical properties. The amino acid change p.Tyr989Asn in L1CAM is predicted as conserved by GERP++ and PhyloP across 100 vertebrates. Multiple lines of computational evidence (Polyphen - Damaging, SIFT - Damaging, and MutationTaster - Disease causing) predict a damaging effect on protein structure and function for this variant. For these reasons, this variant has been classified as Uncertain Significance.

NM_001278116.2(L1CAM):c.2965T>A (p.Tyr989Asn)

Gene: L1CAM (L1 cell adhesion molecule; minus strand). Cytogenetic location: Xq28.
Variant type: single nucleotide variant.
Coding change: c.2965T>A on transcript NM_001278116.2 (MANE Select); coding-DNA position 2965, T replaced by A.
Protein change: p.Tyr989Asn; replaces tyrosine 989 with asparagine.
Molecular consequence: missense variant.
Genome position (GRCh38, 1-based): chrX:153,864,902, A>T on the plus strand (T>A on the coding strand, the complement: L1CAM is on the minus strand). VCF-style: chrX-153864902-A-T. GRCh37 (hg19) VCF-style: chrX-153130357-A-T.
Other names: c.2965T>A, p.Tyr989Asn (NM_000425.5, NM_024003.3); c.2950T>A, p.Tyr984Asn (NM_001143963.2); short protein forms Y984N, Y989N.
Identifiers: ClinVar variation 3341347 (VCV003341347.1).
Genomic context (GRCh38, chrX:153,864,902, plus strand): 5'-CTTCCCGTACGATGGCTTCACCAGGGCCCTCTTTGGTGGTGGCCTGAAGCTGGAAGCGGT[A>T]CCGCAGGTGGGGGCTGAGATCGGTCAGGTTGTGTGTCCGAAGTTCGGGGTCCCGAAGGTT-3'
Protein context (NP_001265045.1, residues 979-999): NLTDLSPHLR[Tyr989Asn]RFQLQATTKE